The following is an entry in ClinVar:

NM_003072.5(SMARCA4):c.3957G>T (p.Met1319Ile)

Gene: SMARCA4 (SWI/SNF related BAF chromatin remodeling complex subunit ATPase 4; plus strand). Cytogenetic location: 19p13.2.
Variant type: single nucleotide variant.
Coding change: c.3957G>T on transcript NM_003072.5 (MANE Select); coding-DNA position 3957, G replaced by T.
Protein change: p.Met1319Ile; replaces methionine 1319 with isoleucine.
Molecular consequence: missense variant. On other transcripts: non-coding transcript variant (1).
Genome position (GRCh38, 1-based): chr19:11,034,919, G>T. VCF-style: chr19-11034919-G-T. GRCh37 (hg19) VCF-style: chr19-11145595-G-T.
Other names: c.3957G>T, p.Met1319Ile (NM_001128844.3, NM_001128849.3, NM_001387283.1); c.3858G>T, p.Met1286Ile (NM_001128845.2, NM_001128846.2, NM_001128847.4 and 3 more transcripts); short protein forms M1286I, M1319I.
Identifiers: ClinVar variation 2567132 (VCV002567132.2), dbSNP rs2146695863, ClinGen allele CA404067993.

ClinVar aggregate classification (germline): Uncertain significance (1 of 4 stars; one submission).

Conditions:
Hereditary cancer-predisposing syndrome. Also called: Hereditary neoplastic syndrome; Hereditary Cancer Syndrome; Neoplastic Syndromes, Hereditary; Tumor predisposition. Identifiers: Orphanet 140162, MedGen C0027672, MeSH D009386, MONDO:0015356.

Submission:

Ambry Genetics
Classification: Uncertain significance for Hereditary cancer-predisposing syndrome. Last evaluated: 2023-04-03. Review status: criteria provided, single submitter. Criteria: Ambry Variant Classification Scheme 2023. Collection method: clinical testing. Allele origin: germline.
Comment: The p.M1319I variant (also known as c.3957G>T), located in coding exon 28 of the SMARCA4 gene, results from a G to T substitution at nucleotide position 3957. The methionine at codon 1319 is replaced by isoleucine, an amino acid with highly similar properties. This amino acid position is highly conserved in available vertebrate species. In addition, the in silico prediction for this alteration is inconclusive. Missense and in-frame variants in SMARCA4 are known to cause neurodevelopmental disorders; however, such associations with rhabdoid tumor predisposition syndrome including small cell carcinoma of the ovary-hypercalcemic type (SCCOHT) are exceedingly rare (Kosho T et al. Am J Med Genet C Semin Med Genet. 2014 Sep;166C(3):262-75; Jelinic P et al. Nat Genet. 2014 May;46(5):424-6). Since supporting evidence is limited at this time, the clinical significance of this alteration remains unclear.